The following is an entry in ClinVar:

ClinVar aggregate classification (germline): Uncertain significance (1 of 4 stars; one submission).

Conditions:
Ritscher-Schinzel syndrome. Also called: CRANIOCEREBELLOCARDIAC DYSPLASIA. Identifiers: Orphanet 7, MedGen C0796137, MONDO:0019078.
Hereditary spastic paraplegia 8 (SPG8). Also called: SPASTIC PARAPLEGIA 8, AUTOSOMAL DOMINANT. Identifiers: Orphanet 100989, MedGen C1863704, MONDO:0011339, OMIM 603563.

gnomAD v4.1: 3 of 1,614,112 alleles (0.00019%); highest among the groups gnomAD compares: Non-Finnish European, 0.00025%; no homozygotes.

Submission:

Labcorp Genetics (formerly Invitae), Labcorp
Classification: Uncertain significance for Ritscher-Schinzel syndrome; Hereditary spastic paraplegia 8. Last evaluated: 2025-04-27. Review status: criteria provided, single submitter. Criteria: Invitae Variant Classification Sherloc (09022015). Collection method: clinical testing. Allele origin: germline.
Comment: This sequence change replaces methionine, which is neutral and non-polar, with threonine, which is neutral and polar, at codon 849 of the WASHC5 protein (p.Met849Thr). This variant is not present in population databases (gnomAD no frequency). This variant has not been reported in the literature in individuals affected with WASHC5-related conditions. Invitae Evidence Modeling of protein sequence and biophysical properties (such as structural, functional, and spatial information, amino acid conservation, physicochemical variation, residue mobility, and thermodynamic stability) indicates that this missense variant is not expected to disrupt WASHC5 protein function with a negative predictive value of 80%. In summary, the available evidence is currently insufficient to determine the role of this variant in disease. Therefore, it has been classified as a Variant of Uncertain Significance.

NM_014846.4(WASHC5):c.2546T>C (p.Met849Thr)

Genes: WASHC5 (WASH complex subunit 5; minus strand), WASHC5-AS1 (WASHC5 antisense RNA 1; plus strand). Cytogenetic location: 8q24.13.
Variant type: single nucleotide variant.
Coding change: c.2546T>C on transcript NM_014846.4 (MANE Select); coding-DNA position 2546, T replaced by C.
Protein change: p.Met849Thr; replaces methionine 849 with threonine.
Molecular consequence: missense variant. On other transcripts: non-coding transcript variant (1).
Genome position (GRCh38, 1-based): chr8:125,044,657, A>G on the plus strand (T>C on the coding strand, the complement: WASHC5 is on the minus strand). VCF-style: chr8-125044657-A-G. GRCh37 (hg19) VCF-style: chr8-126056899-A-G.
Other names: c.2102T>C, p.Met701Thr (NM_001330609.2); short protein forms M849T, M701T.
Identifiers: ClinVar variation 4790342 (VCV004790342.1).